The following is an entry in ClinVar:

NM_001039213.4(CEACAM16):c.549C>T (p.Gly183=)

Genes: CEACAM16-AS1 (CEACAM16, CEACAM19 and PVR antisense RNA 1; minus strand), CEACAM16 (CEA cell adhesion molecule 16, tectorial membrane component; plus strand). Cytogenetic location: 19q13.32.
Variant type: single nucleotide variant.
Coding change: c.549C>T on transcript NM_001039213.4 (MANE Select); coding-DNA position 549, C replaced by T.
Protein change: p.Gly183=; no amino-acid change (glycine 183 retained).
Molecular consequence: synonymous variant.
Genome position (GRCh38, 1-based): chr19:44,704,184, C>T. VCF-style: chr19-44704184-C-T. GRCh37 (hg19) VCF-style: chr19-45207454-C-T.
Identifiers: ClinVar variation 1695842 (VCV001695842.3), dbSNP rs2122195063, ClinGen allele CA507945266.

ClinVar aggregate classification (germline): Uncertain significance (1 of 4 stars; one submission).

Allele frequency attached by ClinVar (database versions not stated): gnomAD exomes below 0.00001.
gnomAD v4.1: 1 of 1,572,432 alleles (0.000064%); highest among the groups gnomAD compares: South Asian, 0.0012%; no homozygotes.

Submission:

GeneDx
Classification: Uncertain significance. Last evaluated: 2025-06-13. Review status: criteria provided, single submitter. Criteria: GeneDx Variant Classification Process June 2021. Collection method: clinical testing. Allele origin: germline. Affected: yes.
Comment: Not observed at significant frequency in large population cohorts (gnomAD); In silico analysis suggests that this variant does not alter splicing; Has not been previously published as pathogenic or benign to our knowledge